The following is an entry in ClinVar:

ClinVar aggregate classification (germline): Uncertain significance (1 of 4 stars; one submission).

Submission:

Labcorp Genetics (formerly Invitae), Labcorp
Classification: Uncertain significance. Last evaluated: 2022-07-21. Review status: criteria provided, single submitter. Criteria: Invitae Variant Classification Sherloc (09022015). Collection method: clinical testing. Allele origin: germline.
Comment: This sequence change replaces methionine, which is neutral and non-polar, with leucine, which is neutral and non-polar, at codon 1462 of the CCDC88A protein (p.Met1462Leu). This variant is not present in population databases (gnomAD no frequency). This variant has not been reported in the literature in individuals affected with CCDC88A-related conditions. Algorithms developed to predict the effect of missense changes on protein structure and function (SIFT, PolyPhen-2, Align-GVGD) all suggest that this variant is likely to be tolerated. In summary, the available evidence is currently insufficient to determine the role of this variant in disease. Therefore, it has been classified as a Variant of Uncertain Significance.

NM_001365480.1(CCDC88A):c.4387A>C (p.Met1463Leu)

Gene: CCDC88A (coiled-coil domain containing 88A; minus strand). Cytogenetic location: 2p16.1.
Variant type: single nucleotide variant.
Coding change: c.4387A>C on transcript NM_001365480.1 (MANE Select); coding-DNA position 4387, A replaced by C.
Protein change: p.Met1463Leu; replaces methionine 1463 with leucine.
Molecular consequence: missense variant.
Genome position (GRCh38, 1-based): chr2:55,308,809, T>G on the plus strand (A>C on the coding strand, the complement: CCDC88A is on the minus strand). VCF-style: chr2-55308809-T-G. GRCh37 (hg19) VCF-style: chr2-55535945-T-G.
Other names: c.4384A>C, p.Met1462Leu (NM_001135597.2, NM_001254943.2); c.4387A>C, p.Thr1463Pro (NM_018084.5); short protein forms M1462L, M1463L, T1463P.
Identifiers: ClinVar variation 1721893 (VCV001721893.3), dbSNP rs2544752112, ClinGen allele CA346884267.